The following is an entry in ClinVar:

ClinVar aggregate classification (germline): Uncertain significance (1 of 4 stars; one submission).

Submission:

GeneDx
Classification: Uncertain significance. Last evaluated: 2026-03-05. Review status: criteria provided, single submitter. Criteria: GeneDx Variant Classification Process June 2021. Collection method: clinical testing. Allele origin: germline.
Comment: Not observed at significant frequency in large population cohorts (gnomAD); In silico analysis supports that this missense variant has a deleterious effect on protein structure/function; Has not been previously published as pathogenic or benign to our knowledge

NM_004859.4(CLTC):c.3377A>G (p.Asp1126Gly)

Gene: CLTC (clathrin heavy chain; plus strand). Cytogenetic location: 17q23.1.
Variant type: single nucleotide variant.
Coding change: c.3377A>G on transcript NM_004859.4 (MANE Select); coding-DNA position 3377, A replaced by G.
Protein change: p.Asp1126Gly; replaces aspartic acid 1126 with glycine.
Molecular consequence: missense variant.
Genome position (GRCh38, 1-based): chr17:59,681,774, A>G. VCF-style: chr17-59681774-A-G. GRCh37 (hg19) VCF-style: chr17-57759135-A-G.
Other names: c.3389A>G, p.Asp1130Gly (NM_001288653.2); short protein forms D1126G, D1130G.
Identifiers: ClinVar variation 5008627 (VCV005008627.1).